The following is an entry in ClinVar:

NM_153700.2(STRC):c.3540T>G (p.Leu1180=)

Gene: STRC (stereocilin; minus strand). Cytogenetic location: 15q15.3.
Variant type: single nucleotide variant.
Coding change: c.3540T>G on transcript NM_153700.2 (MANE Select); coding-DNA position 3540, T replaced by G.
Protein change: p.Leu1180=; no amino-acid change (leucine 1180 retained).
Molecular consequence: synonymous variant.
Genome position (GRCh38, 1-based): chr15:43,609,293, A>C on the plus strand (T>G on the coding strand, the complement: STRC is on the minus strand). VCF-style: chr15-43609293-A-C. GRCh37 (hg19) VCF-style: chr15-43901491-A-C.
Other names: p.Leu1180=.
Identifiers: ClinVar variation 227965 (VCV000227965.29), dbSNP rs199524735, ClinGen allele CA7528315.

ClinVar aggregate classification (germline): Benign/Likely benign. Review status: criteria provided, multiple submitters, no conflicts (2 of 4 stars). 7 submissions from 7 submitters: Benign (4); Likely benign (2). 1 of the submissions does not count toward it. Last evaluated 2026-09-01.

Conditions:
Autosomal recessive nonsyndromic hearing loss 16. Also called: DEAFNESS, AUTOSOMAL RECESSIVE 16; DFNB16 Nonsyndromic Hearing Loss and Deafness. Identifiers: Orphanet 90636, MedGen C1863561, MONDO:0011364, OMIM 603720.

Allele frequency attached by ClinVar (database versions not stated): ExAC 0.00052; gnomAD exomes 0.00086; gnomAD 0.00335 and 0.00341; 1000 Genomes Project 30x 0.00718.
gnomAD v4.1: 1,623 of 1,608,722 alleles (0.1%); highest among the groups gnomAD compares: African/African-American, 0.6%; 66 homozygotes.

Submissions (7):

CeGaT Center for Human Genetics Tuebingen
Classification: Likely benign. Last evaluated: 2026-09-01. Review status: criteria provided, single submitter. Criteria: CeGaT Center For Human Genetics Tuebingen Variant Classification Criteria Version 2. Collection method: clinical testing. Allele origin: germline. Affected: yes. Observed: 4 variant alleles.
Comment: STRC: BP4, BP7, BS2

Mayo Clinic Laboratories, Mayo Clinic
Classification: Likely benign. Last evaluated: 2025-08-21. Review status: criteria provided, single submitter. Criteria: ACMG Guidelines, 2015. Collection method: clinical testing. Allele origin: germline. Observed: 14 variant alleles.
Comment: BS1_supporting, BS2, BP4, BP7

Athena Diagnostics
Classification: Benign. Last evaluated: 2020-07-22. Review status: criteria provided, single submitter. Criteria: Athena Diagnostics Criteria. Collection method: clinical testing. Allele origin: unknown.

Laboratory for Molecular Medicine, Mass General Brigham Personalized Medicine
Classification: Benign. Last evaluated: 2017-07-20. Review status: criteria provided, single submitter. Criteria: LMM Criteria. Collection method: clinical testing. Allele origin: germline. Observed: 3 variant alleles.
Comment: p.Leu1180Leu in exon 16 of STRC: This variant is not expected to have clinical s ignificance because it does not alter an amino acid residue, is not located with in the splice consensus sequence, and it has been identified in 0.4% (97/23254) African chromosomes by the Genome Aggregation Database (gnomAD; dbSNP rs199524735).

Breakthrough Genomics
Classification: Benign. Review status: criteria provided, single submitter. Criteria: ACMG Guidelines, 2015. Collection method: not provided. Allele origin: germline. Inheritance: Autosomal recessive inheritance. Affected: yes.

Genome-Nilou Lab
Classification: Benign for Autosomal recessive nonsyndromic hearing loss 16. Review status: criteria provided, single submitter. Criteria: ACMG Guidelines, 2015. Collection method: clinical testing. Allele origin: germline.

Department of Pathology and Laboratory Medicine, Sinai Health System
Classification: Benign. Review status: no assertion criteria provided. Collection method: clinical testing. Allele origin: unknown. Affected: yes. Study: The Canadian Open Genetics Repository (COGR). Not counted in ClinVar's aggregate classification.
Comment: The STRC p.Leu1180Leu variant was not identified in the literature nor was it identified in Cosmic or LOVD 3.0. The variant was identified in dbSNP (ID: rs199524735) and in ClinVar (classified as benign by Laboratory for Molecular Medicine, Partners HealthCare Personalized Medicine). The variant was also identified in control databases in 284 of 281132 chromosomes (20 homozygous) at a frequency of 0.00101 increasing the likelihood this could be a low frequency benign variant (Genome Aggregation Database Feb 27, 2017) and was observed in the following populations: African in 98 of 24194 chromosomes (freq: 0.004051), South Asian in 58 of 30480 chromosomes (freq: 0.001903), Latino in 58 of 35362 chromosomes (freq: 0.00164), East Asian in 14 of 19680 chromosomes (freq: 0.000711), Other in 4 of 7204 chromosomes (freq: 0.000555), Ashkenazi Jewish in 5 of 10354 chromosomes (freq: 0.000483), European (non-Finnish) in 44 of 128746 chromosomes (freq: 0.000342), and European (Finnish) in 3 of 25112 chromosomes (freq: 0.00012). The p.Leu1180Leu variant is not expected to have clinical significance because it does not result in a change of amino acid and is not located in a known consensus splice site. Three in silico or computational prediction software programs (MaxEntScan, NNSPLICE, GeneSplicer) predict the loss of an unannotated 5' splice site, however the known canonical splice site is not predicted to be affected. In summary, based on the above information this variant meets our laboratory's criteria to be classified as benign.